The following is an entry in ClinVar:

ClinVar aggregate classification (germline): Uncertain significance (1 of 4 stars; one submission).

Conditions:
2-aminoadipic 2-oxoadipic aciduria (AAKAD). Also called: Aminoadipic aciduria; ALPHA-AMINOADIPIC AND ALPHA-KETOADIPIC ACIDURIA. Identifiers: Orphanet 79154, MedGen C1859817, MONDO:0008774, OMIM 204750.

Allele frequency attached by ClinVar (database versions not stated): gnomAD 0.00002; TOPMed 0.00003; ExAC 0.00007; 1000 Genomes Project 30x 0.00016; 1000 Genomes Project 0.00020.

Submission:

Labcorp Genetics (formerly Invitae), Labcorp
Classification: Uncertain significance for 2-aminoadipic 2-oxoadipic aciduria. Last evaluated: 2024-02-02. Review status: criteria provided, single submitter. Criteria: Invitae Variant Classification Sherloc (09022015). Collection method: clinical testing. Allele origin: germline.
Comment: This sequence change replaces proline, which is neutral and non-polar, with serine, which is neutral and polar, at codon 87 of the DHTKD1 protein (p.Pro87Ser). This variant is present in population databases (rs201207624, gnomAD 0.07%). This variant has not been reported in the literature in individuals affected with DHTKD1-related conditions. An algorithm developed to predict the effect of missense changes on protein structure and function (PolyPhen-2) suggests that this variant is likely to be tolerated. In summary, the available evidence is currently insufficient to determine the role of this variant in disease. Therefore, it has been classified as a Variant of Uncertain Significance.

NM_018706.7(DHTKD1):c.259C>T (p.Pro87Ser)

Gene: DHTKD1 (dehydrogenase E1 and transketolase domain containing 1; plus strand). Cytogenetic location: 10p14.
Variant type: single nucleotide variant.
Coding change: c.259C>T on transcript NM_018706.7 (MANE Select); coding-DNA position 259, C replaced by T.
Protein change: p.Pro87Ser; replaces proline 87 with serine.
Molecular consequence: missense variant.
Genome position (GRCh38, 1-based): chr10:12,081,576, C>T. VCF-style: chr10-12081576-C-T. GRCh37 (hg19) VCF-style: chr10-12123575-C-T.
Other names: short protein forms P87S.
Identifiers: ClinVar variation 2969571 (VCV002969571.3), dbSNP rs201207624, ClinGen allele CA5407486.
Genomic context (GRCh38, chr10:12,081,576, plus strand): 5'-GGTCATAAAGCTGCCAAAATCAACCCCCTCTTCACCGGACAAGCCCTGCTGGAGAATGTG[C>T]CTGAAATCCAAGCCCTGGTGCAGACACTGCAGGGACCCTTCCACACGGCAGGTATGGCTT-3'
Protein context (NP_061176.4, residues 77-97): FTGQALLENV[Pro87Ser]EIQALVQTLQ